The following is an entry in ClinVar:

ClinVar aggregate classification (germline): Likely benign. Review status: criteria provided, multiple submitters, no conflicts (2 of 4 stars). 2 submissions from 2 submitters: Likely benign (2). Last evaluated 2025-06-25.

Submissions (2):

Mayo Clinic Laboratories, Mayo Clinic
Classification: Likely benign. Last evaluated: 2025-06-25. Review status: criteria provided, single submitter. Criteria: ACMG Guidelines, 2015. Collection method: clinical testing. Allele origin: germline. Observed: 2 variant alleles.
Comment: BP4, BP7

Blueprint Genetics
Classification: Likely benign. Last evaluated: 2023-03-01. Review status: criteria provided, single submitter. Criteria: ACMG Guidelines, 2015. Collection method: clinical testing. Allele origin: germline.

NM_004715.5(CTDP1):c.1428C>T (p.Gly476=)

Gene: CTDP1 (CTD phosphatase 1; plus strand). Cytogenetic location: 18q23.
Variant type: single nucleotide variant.
Coding change: c.1428C>T on transcript NM_004715.5 (MANE Select); coding-DNA position 1428, C replaced by T.
Protein change: p.Gly476=; no amino-acid change (glycine 476 retained).
Molecular consequence: synonymous variant.
Genome position (GRCh38, 1-based): chr18:79,714,888, C>T. VCF-style: chr18-79714888-C-T. GRCh37 (hg19) VCF-style: chr18-77474888-C-T.
Other names: p.Gly476=; c.1428C>T, p.Gly476= (NM_001318511.2, NM_048368.4); c.1071C>T, p.Gly357= (NM_001202504.1).
Identifiers: ClinVar variation 4684291 (VCV004684291.2).